The following is an entry in ClinVar:

NM_000170.3(GLDC):c.1752T>C (p.Pro584=)

Gene: GLDC (glycine decarboxylase; minus strand). Cytogenetic location: 9p24.1.
Variant type: single nucleotide variant.
Coding change: c.1752T>C on transcript NM_000170.3 (MANE Select); coding-DNA position 1752, T replaced by C.
Protein change: p.Pro584=; no amino-acid change (proline 584 retained).
Molecular consequence: synonymous variant.
Genome position (GRCh38, 1-based): chr9:6,587,239, A>G on the plus strand (T>C on the coding strand, the complement: GLDC is on the minus strand). VCF-style: chr9-6587239-A-G. GRCh37 (hg19) VCF-style: chr9-6587239-A-G.
Identifiers: ClinVar variation 462859 (VCV000462859.44), dbSNP rs150647379, ClinGen allele CA4980546.

ClinVar aggregate classification (germline): Likely benign. Review status: criteria provided, multiple submitters, no conflicts (2 of 4 stars). 4 submissions from 4 submitters: Likely benign (3). 1 of the submissions does not count toward it. Last evaluated 2026-02-01.

Conditions:
GLDC-related disorder. Also called: GLDC-related condition.
Glycine encephalopathy. Also called: Nonketotic hyperglycinemia; Non-ketotic hyperglycinemia. Identifiers: Orphanet 407, MedGen C0751748, MONDO:0011612, HP:0008288.

Allele frequency attached by ClinVar (database versions not stated): gnomAD exomes 0.00009 and 0.00027; ExAC 0.00012; gnomAD 0.00012 and 0.00013; TOPMed 0.00015; ESP Exome Variant Server 0.00038.
gnomAD v4.1: 423 of 1,613,940 alleles (0.026%); highest among the groups gnomAD compares: Non-Finnish European, 0.033%; 1 homozygote.

Submissions (4):

CeGaT Center for Human Genetics Tuebingen
Classification: Likely benign. Last evaluated: 2026-02-01. Review status: criteria provided, single submitter. Criteria: CeGaT Center For Human Genetics Tuebingen Variant Classification Criteria Version 2. Collection method: clinical testing. Allele origin: germline. Affected: yes. Observed: 3 variant alleles.
Comment: GLDC: BP4, BP7

Labcorp Genetics (formerly Invitae), Labcorp
Classification: Likely benign for Glycine encephalopathy. Last evaluated: 2026-01-11. Review status: criteria provided, single submitter. Criteria: Invitae Variant Classification Sherloc (09022015). Collection method: clinical testing. Allele origin: germline.

GeneDx
Classification: Likely benign. Last evaluated: 2020-10-06. Review status: criteria provided, single submitter. Criteria: GeneDx Variant Classification Process June 2021. Collection method: clinical testing. Allele origin: germline. Affected: yes.

PreventionGenetics, part of Exact Sciences
Classification: Likely benign for GLDC-related condition. Last evaluated: 2019-02-27. Review status: no assertion criteria provided. Collection method: clinical testing. Allele origin: germline. Not counted in ClinVar's aggregate classification.
Comment: This variant is classified as likely benign based on ACMG/AMP sequence variant interpretation guidelines (Richards et al. 2015 PMID: 25741868, with internal and published modifications).